The following is an entry in ClinVar:

ClinVar aggregate classification (germline): Conflicting classifications of pathogenicity. Review status: criteria provided, conflicting classifications (1 of 4 stars). 9 submissions from 9 submitters: Uncertain significance (1); Benign (2); Likely benign (6). Last evaluated 2026-01-13.

Conditions:
Ehlers-Danlos syndrome (EDS). Identifiers: Orphanet 98249, MedGen C0013720, MONDO:0020066.
Familial thoracic aortic aneurysm and aortic dissection (TAAD). Also called: Thoracic aortic aneurysms and dissections. Identifiers: Orphanet 91387, MedGen C4707243, MONDO:0019625.
Ehlers-Danlos syndrome, type 4 (EDSVASC). Also called: Ehlers-Danlos syndrome vascular type; Ehlers Danlos syndrome, ecchymotic type; Ehlers Danlos syndrome, arterial type; Ehlers Danlos syndrome, Sack-Barabas type; Ehlers-Danlos Syndrome Type IV. Identifiers: Orphanet 286, MedGen C0268338, MONDO:0017314, OMIM 130050.

Allele frequency attached by ClinVar (database versions not stated): gnomAD 0.00001 and 0.00005; TOPMed 0.00004; ExAC 0.00011.
gnomAD v4.1: 64 of 1,612,126 alleles (0.004%); highest among the groups gnomAD compares: Middle Eastern, 0.082%; no homozygotes.

Submissions (9):

Labcorp Genetics (formerly Invitae), Labcorp
Classification: Likely benign for Ehlers-Danlos syndrome, type 4. Last evaluated: 2026-01-13. Review status: criteria provided, single submitter. Criteria: Invitae Variant Classification Sherloc (09022015). Collection method: clinical testing. Allele origin: germline.

Women's Health and Genetics/Laboratory Corporation of America, LabCorp
Classification: Likely benign. Last evaluated: 2024-12-10. Review status: criteria provided, single submitter. Criteria: LabCorp Variant Classification Summary - May 2015. Collection method: clinical testing. Allele origin: germline.
Comment: Variant summary: COL3A1 c.515A>C (p.Tyr172Ser) results in a non-conservative amino acid change in the encoded protein sequence. Four of five in-silico tools predict a benign effect of the variant on protein function. The variant allele was found at a frequency of 9.6e-05 in 250950 control chromosomes. The observed variant frequency is approximately 64-fold of the estimated maximal expected allele frequency for a pathogenic variant in COL3A1 causing Ehlers-Danlos Syndrome, Vascular Type phenotype (1.5e-06), providing evidence for a benign role of the variant. c.515A>C has been reported in the literature in at least one individual affected with Ehlers-Danlos Syndrome, Vascular Type (e.g. Leone_2023). In this patient, a co-occurrence with an additional variant (c.3572G>A, p.(Gly1191Asp)) was reported, providing additional evidence for a benign role of the variant. To our knowledge, no experimental evidence demonstrating an impact on protein function has been reported. The following publication has been ascertained in the context of this evaluation (PMID: 37079061). ClinVar contains an entry for this variant (Variation ID: 263946). Based on the evidence outlined above, the variant was classified as likely benign.

Blueprint Genetics
Classification: Likely benign. Last evaluated: 2024-08-30. Review status: criteria provided, single submitter. Criteria: ACMG Guidelines, 2015. Collection method: clinical testing. Allele origin: germline.

Ambry Genetics
Classification: Benign for Familial thoracic aortic aneurysm and aortic dissection. Last evaluated: 2023-08-25. Review status: criteria provided, single submitter. Criteria: Ambry Variant Classification Scheme 2023. Collection method: clinical testing. Allele origin: germline.

CeGaT Center for Human Genetics Tuebingen
Classification: Likely benign. Last evaluated: 2023-04-01. Review status: criteria provided, single submitter. Criteria: CeGaT Center For Human Genetics Tuebingen Variant Classification Criteria Version 2. Collection method: clinical testing. Allele origin: germline. Affected: yes. Observed: 2 variant alleles.
Comment: COL3A1: BP4

Genome Diagnostics Laboratory, The Hospital for Sick Children
Classification: Uncertain significance for Ehlers-Danlos syndrome. Last evaluated: 2020-11-13. Review status: criteria provided, single submitter. Criteria: ACMG Guidelines, 2015. Collection method: clinical testing. Allele origin: germline.

GeneDx
Classification: Likely benign. Last evaluated: 2020-09-17. Review status: criteria provided, single submitter. Criteria: GeneDx Variant Classification Process June 2021. Collection method: clinical testing. Allele origin: germline. Affected: yes.
Comment: Occurs in the triple helical domain at the {X} position in the canonical Gly-X-Y repeat; although this variant may have an effect on normal protein folding and function, missense substitution at the X position is not a common mechanism of disease (Stenson et al., 2014)

Color Diagnostics, LLC DBA Color Health
Classification: Likely benign for Familial thoracic aortic aneurysm and aortic dissection. Last evaluated: 2019-11-26. Review status: criteria provided, single submitter. Criteria: ACMG Guidelines, 2015. Collection method: clinical testing. Allele origin: germline.

Illumina Laboratory Services, Illumina
Classification: Benign for Ehlers-Danlos syndrome, type 4. Last evaluated: 2018-01-13. Review status: criteria provided, single submitter. Criteria: ICSL Variant Classification Criteria 13 December 2019. Collection method: clinical testing. Allele origin: germline.
Comment: This variant was observed in the ICSL laboratory as part of a predisposition screen in an ostensibly healthy population. It had not been previously curated by ICSL or reported in the Human Gene Mutation Database (HGMD: prior to June 1st, 2018), and was therefore a candidate for classification through an automated scoring system. Utilizing variant allele frequency, disease prevalence and penetrance estimates, and inheritance mode, an automated score was calculated to assess if this variant is too frequent to cause the disease. Based on the score and internal cut-off values, a variant classified as benign is not then subjected to further curation. The score for this variant resulted in a classification of benign for this disease.

Literature cited by the submitters: PubMed 37079061 (cited by Women's Health and Genetics/Laboratory Corporation of America, LabCorp).

NM_000090.4(COL3A1):c.515A>C (p.Tyr172Ser)

Gene: COL3A1 (collagen type III alpha 1 chain; plus strand). Cytogenetic location: 2q32.2.
Variant type: single nucleotide variant.
Coding change: c.515A>C on transcript NM_000090.4 (MANE Select); coding-DNA position 515, A replaced by C.
Protein change: p.Tyr172Ser; replaces tyrosine 172 with serine.
Molecular consequence: missense variant.
Genome position (GRCh38, 1-based): chr2:188,987,126, A>C. VCF-style: chr2-188987126-A-C. GRCh37 (hg19) VCF-style: chr2-189851852-A-C.
Other names: short protein forms Y172S.
Identifiers: ClinVar variation 263946 (VCV000263946.55), dbSNP rs771654029, ClinGen allele CA076658.